The following is an entry in ClinVar:

ClinVar aggregate classification (germline): Uncertain significance (1 of 4 stars; one submission).

Allele frequency attached by ClinVar (database versions not stated): gnomAD exomes below 0.00001.
gnomAD v4.1: 3 of 1,614,180 alleles (0.00019%); highest among the groups gnomAD compares: Non-Finnish European, 0.00025%; no homozygotes.

Submission:

Labcorp Genetics (formerly Invitae), Labcorp
Classification: Uncertain significance. Last evaluated: 2022-07-15. Review status: criteria provided, single submitter. Criteria: Invitae Variant Classification Sherloc (09022015). Collection method: clinical testing. Allele origin: germline.
Comment: In summary, the available evidence is currently insufficient to determine the role of this variant in disease. Therefore, it has been classified as a Variant of Uncertain Significance. Algorithms developed to predict the effect of missense changes on protein structure and function are either unavailable or do not agree on the potential impact of this missense change (SIFT: "Tolerated"; PolyPhen-2: "Possibly Damaging"; Align-GVGD: "Class C0"). This sequence change replaces histidine, which is basic and polar, with arginine, which is basic and polar, at codon 1147 of the TAF2 protein (p.His1147Arg). This variant is not present in population databases (gnomAD no frequency). This variant has not been reported in the literature in individuals affected with TAF2-related conditions.

NM_003184.4(TAF2):c.3440A>G (p.His1147Arg)

Gene: TAF2 (TATA-box binding protein associated factor 2; minus strand). Cytogenetic location: 8q24.12.
Variant type: single nucleotide variant.
Coding change: c.3440A>G on transcript NM_003184.4 (MANE Select); coding-DNA position 3440, A replaced by G.
Protein change: p.His1147Arg; replaces histidine 1147 with arginine.
Molecular consequence: missense variant.
Genome position (GRCh38, 1-based): chr8:119,732,084, T>C on the plus strand (A>G on the coding strand, the complement: TAF2 is on the minus strand). VCF-style: chr8-119732084-T-C. GRCh37 (hg19) VCF-style: chr8-120744324-T-C.
Other names: short protein forms H1147R.
Identifiers: ClinVar variation 2015976 (VCV002015976.4), dbSNP rs1257441521, ClinGen allele CA371881986.